The following is an entry in ClinVar:

ClinVar aggregate classification (germline): Uncertain significance (1 of 4 stars; one submission).

gnomAD v4.1: 8 of 1,613,992 alleles (0.0005%); highest among the groups gnomAD compares: Non-Finnish European, 0.00068%; no homozygotes.

Submission:

Labcorp Genetics (formerly Invitae), Labcorp
Classification: Uncertain significance. Last evaluated: 2024-10-13. Review status: criteria provided, single submitter. Criteria: Invitae Variant Classification Sherloc (09022015). Collection method: clinical testing. Allele origin: germline.
Comment: This sequence change replaces glutamic acid, which is acidic and polar, with lysine, which is basic and polar, at codon 1292 of the KAT6A protein (p.Glu1292Lys). This variant is not present in population databases (gnomAD no frequency). This variant has not been reported in the literature in individuals affected with KAT6A-related conditions. Invitae Evidence Modeling of protein sequence and biophysical properties (such as structural, functional, and spatial information, amino acid conservation, physicochemical variation, residue mobility, and thermodynamic stability) indicates that this missense variant is not expected to disrupt KAT6A protein function with a negative predictive value of 95%. In summary, the available evidence is currently insufficient to determine the role of this variant in disease. Therefore, it has been classified as a Variant of Uncertain Significance.

NM_006766.5(KAT6A):c.3874G>A (p.Glu1292Lys)

Gene: KAT6A (lysine acetyltransferase 6A; minus strand). Cytogenetic location: 8p11.21.
Variant type: single nucleotide variant.
Coding change: c.3874G>A on transcript NM_006766.5 (MANE Select); coding-DNA position 3874, G replaced by A.
Protein change: p.Glu1292Lys; replaces glutamic acid 1292 with lysine.
Molecular consequence: missense variant.
Genome position (GRCh38, 1-based): chr8:41,934,346, C>T on the plus strand (G>A on the coding strand, the complement: KAT6A is on the minus strand). VCF-style: chr8-41934346-C-T. GRCh37 (hg19) VCF-style: chr8-41791864-C-T.
Other names: short protein forms E1292K.
Identifiers: ClinVar variation 3625033 (VCV003625033.2).